The following is an entry in ClinVar:

NM_052867.4(NALCN):c.1434+5T>C

Gene: NALCN (sodium leak channel, non-selective; minus strand). Cytogenetic location: 13q33.1.
Variant type: single nucleotide variant.
Coding change: c.1434+5T>C on transcript NM_052867.4 (MANE Select); 5 bases into the intron after coding-DNA position 1434, T replaced by C.
Molecular consequence: intron variant.
Genome position (GRCh38, 1-based): chr13:101,237,750, A>G on the plus strand (T>C on the coding strand, the complement: NALCN is on the minus strand). VCF-style: chr13-101237750-A-G. GRCh37 (hg19) VCF-style: chr13-101890101-A-G.
Other names: c.1434+5T>C (NM_052867.2, NM_001350749.2, NM_001350748.2); c.1347+5T>C (NM_001350751.2, NM_001350750.2).
Identifiers: ClinVar variation 2984010 (VCV002984010.5), dbSNP rs1186702611, ClinGen allele CA612032496.

ClinVar aggregate classification (germline): Uncertain significance. Review status: criteria provided, single submitter (1 of 4 stars). 2 submissions from 2 submitters: Uncertain significance (1). 1 of the submissions does not count toward it. Last evaluated 2023-11-24.

Conditions:
NALCN-related disorder. Also called: NALCN-related condition; NALCN-related disorders.

Allele frequency attached by ClinVar (database versions not stated): gnomAD exomes below 0.00001.
gnomAD v4.1: 3 of 1,551,368 alleles (0.00019%); highest among the groups gnomAD compares: Admixed American, 0.0041%; no homozygotes.

Submissions (2):

Labcorp Genetics (formerly Invitae), Labcorp
Classification: Uncertain significance. Last evaluated: 2023-11-24. Review status: criteria provided, single submitter. Criteria: Invitae Variant Classification Sherloc (09022015). Collection method: clinical testing. Allele origin: germline.
Comment: This sequence change falls in intron 12 of the NALCN gene. It does not directly change the encoded amino acid sequence of the NALCN protein. It affects a nucleotide within the consensus splice site. This variant is present in population databases (no rsID available, gnomAD 0.005%). This variant has not been reported in the literature in individuals affected with NALCN-related conditions. Variants that disrupt the consensus splice site are a relatively common cause of aberrant splicing (PMID: 17576681, 9536098). Algorithms developed to predict the effect of sequence changes on RNA splicing suggest that this variant is not likely to affect RNA splicing. In summary, the available evidence is currently insufficient to determine the role of this variant in disease. Therefore, it has been classified as a Variant of Uncertain Significance.

PreventionGenetics, part of Exact Sciences
Classification: Likely benign for NALCN-related condition. Last evaluated: 2021-06-10. Review status: no assertion criteria provided. Collection method: clinical testing. Allele origin: germline. Not counted in ClinVar's aggregate classification.
Comment: This variant is classified as likely benign based on ACMG/AMP sequence variant interpretation guidelines (Richards et al. 2015 PMID: 25741868, with internal and published modifications).

Literature cited by the submitters: PubMed 17576681 (cited by Labcorp Genetics (formerly Invitae), Labcorp); PubMed 9536098 (cited by Labcorp Genetics (formerly Invitae), Labcorp).